The following is an entry in ClinVar:

NM_130466.4(UBE3B):c.1616T>C (p.Leu539Pro)

Gene: UBE3B (ubiquitin protein ligase E3B; plus strand). Cytogenetic location: 12q24.11.
Variant type: single nucleotide variant.
Coding change: c.1616T>C on transcript NM_130466.4 (MANE Select); coding-DNA position 1616, T replaced by C.
Protein change: p.Leu539Pro; replaces leucine 539 with proline.
Molecular consequence: missense variant.
Genome position (GRCh38, 1-based): chr12:109,507,729, T>C. VCF-style: chr12-109507729-T-C. GRCh37 (hg19) VCF-style: chr12-109945534-T-C.
Other names: c.1616T>C, p.Leu539Pro (NM_183415.3); short protein forms L539P.
Identifiers: ClinVar variation 984708 (VCV000984708.1), dbSNP rs1879869290, ClinGen allele CA386637576.

ClinVar aggregate classification (germline): Uncertain significance (1 of 4 stars; one submission).

Conditions:
Oculocerebrofacial syndrome, Kaufman type. Also called: Blepharophimosis-ptosis-intellectual disability syndrome. Identifiers: Orphanet 2707, MedGen C1855663, MONDO:0009485, OMIM 244450.

Submission:

Institute of Human Genetics, University of Leipzig Medical Center
Classification: Uncertain significance for Oculocerebrofacial syndrome, Kaufman type. Last evaluated: 2020-03-01. Review status: criteria provided, single submitter. Criteria: ACMG Guidelines, 2015. Collection method: clinical testing. Allele origin: biparental. Inheritance: Autosomal recessive inheritance. Affected: yes.
Comment: Review of the variants reported in Reuter et al., 2017, PMID: 28097321: compund heterozygous variants: c.1616T>C: PM2,PM3_Supporting,PP3 this variant was identified in trans with NM_130466.3:c.1445T>A